The following is an entry in ClinVar:

ClinVar aggregate classification (germline): Uncertain significance (1 of 4 stars; one submission).

Submission:

GeneDx
Classification: Uncertain significance. Last evaluated: 2024-12-21. Review status: criteria provided, single submitter. Criteria: GeneDx Variant Classification Process June 2021. Collection method: clinical testing. Allele origin: germline. Affected: yes.
Comment: Not observed at significant frequency in large population cohorts (gnomAD); In silico analysis supports that this missense variant has a deleterious effect on protein structure/function; Has not been previously published as pathogenic or benign to our knowledge

NM_001162501.2(TNRC6B):c.1499A>T (p.Asn500Ile)

Gene: TNRC6B (trinucleotide repeat containing adaptor 6B; plus strand). Cytogenetic location: 22q13.1.
Variant type: single nucleotide variant.
Coding change: c.1499A>T on transcript NM_001162501.2 (MANE Select); coding-DNA position 1499, A replaced by T.
Protein change: p.Asn500Ile; replaces asparagine 500 with isoleucine.
Molecular consequence: missense variant. On other transcripts: intron variant (1).
Genome position (GRCh38, 1-based): chr22:40,265,729, A>T. VCF-style: chr22-40265729-A-T. GRCh37 (hg19) VCF-style: chr22-40661733-A-T.
Other names: c.1499A>T, p.Asn500Ile (NM_015088.3); c.565+3556A>T (NM_001024843.2); short protein forms N500I.
Identifiers: ClinVar variation 3906419 (VCV003906419.1).
Genomic context (GRCh38, chr22:40,265,729, plus strand): 5'-CGGGTGGGTCCTGGAACTTTGGCCCCCAGGACTCTAATGACAACAAATGGGGTGAAGGGA[A>T]CAAAATGACATCTGGGGTCTCTCAGGGAGAATGGAAACAGCCGACTGGGTCTGATGAGTT-3'
Protein context (NP_001155973.1, residues 490-510): DSNDNKWGEG[Asn500Ile]KMTSGVSQGE